The following is an entry in ClinVar:

ClinVar aggregate classification (germline): Uncertain significance. Review status: criteria provided, multiple submitters, no conflicts (2 of 4 stars). 2 submissions from 2 submitters: Uncertain significance (2). Last evaluated 2024-03-18.

Conditions:
Inborn genetic diseases. Identifiers: MedGen C0950123, MeSH D030342.

Allele frequency attached by ClinVar (database versions not stated): gnomAD 0.00002; gnomAD exomes 0.00002 and 0.00010; TOPMed 0.00005; ExAC 0.00007.
gnomAD v4.1: 32 of 1,601,708 alleles (0.002%); highest among the groups gnomAD compares: Admixed American, 0.052%; no homozygotes.

Submissions (2):

Ambry Genetics
Classification: Uncertain significance for Inborn genetic diseases. Last evaluated: 2024-03-18. Review status: criteria provided, single submitter. Criteria: Ambry Variant Classification Scheme 2023. Collection method: clinical testing. Allele origin: germline.

Labcorp Genetics (formerly Invitae), Labcorp
Classification: Uncertain significance. Last evaluated: 2021-04-08. Review status: criteria provided, single submitter. Criteria: Invitae Variant Classification Sherloc (09022015). Collection method: clinical testing. Allele origin: germline.
Comment: This variant is present in population databases (rs768513125, ExAC 0.08%). This sequence change replaces histidine with arginine at codon 1659 of the OTOGL protein (p.His1659Arg). The histidine residue is weakly conserved and there is a small physicochemical difference between histidine and arginine. This variant has not been reported in the literature in individuals with OTOGL-related conditions. Algorithms developed to predict the effect of missense changes on protein structure and function (SIFT, PolyPhen-2, Align-GVGD) all suggest that this variant is likely to be tolerated, but these predictions have not been confirmed by published functional studies and their clinical significance is uncertain. In summary, the available evidence is currently insufficient to determine the role of this variant in disease. Therefore, it has been classified as a Variant of Uncertain Significance.

NM_001378609.3(OTOGL):c.5003A>G (p.His1668Arg)

Gene: OTOGL (otogelin like; plus strand). Cytogenetic location: 12q21.31.
Variant type: single nucleotide variant.
Coding change: c.5003A>G on transcript NM_001378609.3 (MANE Select); coding-DNA position 5003, A replaced by G.
Protein change: p.His1668Arg; replaces histidine 1668 with arginine.
Molecular consequence: missense variant.
Genome position (GRCh38, 1-based): chr12:80,339,217, A>G. VCF-style: chr12-80339217-A-G. GRCh37 (hg19) VCF-style: chr12-80732997-A-G.
Other names: c.4868A>G, p.His1623Arg (NM_001368062.3); c.5003A>G, p.His1668Arg (NM_001378610.3, NM_173591.7); c.4976A>G (NM_173591.3); short protein forms H1623R, H1668R.
Identifiers: ClinVar variation 1475525 (VCV001475525.8), dbSNP rs768513125, ClinGen allele CA6701567.
Genomic context (GRCh38, chr12:80,339,217, plus strand): 5'-TTACTACTCCAGCTGGACTAATCATAAAGTGGTCTCATCTTACAGGAATCATAGACATTC[A>G]TTTTGGCTTCCGATTTAACTTGTCATCCTACACAGAAGGACTCTGTGGTGAGCGCTGCCC-3'
Protein context (NP_001365538.2, residues 1658-1678): WSHLTGIIDI[His1668Arg]FGFRFNLSSY